The following is an entry in ClinVar:

ClinVar aggregate classification (germline): Uncertain significance. Review status: criteria provided, multiple submitters, no conflicts (2 of 4 stars). 2 submissions from 2 submitters: Uncertain significance (2). Last evaluated 2025-12-11.

Conditions:
Sulfite oxidase deficiency. Also called: Isolated sulfite oxidase deficiency. Identifiers: Orphanet 833, Orphanet 99731, MedGen C0268624, MONDO:0010089, OMIM 272300, HP:0003643.
Inborn genetic diseases. Identifiers: MedGen C0950123, MeSH D030342.

Allele frequency attached by ClinVar (database versions not stated): TOPMed below 0.00001; gnomAD 0.00001; gnomAD exomes 0.00003; ExAC 0.00006.
gnomAD v4.1: 44 of 1,613,922 alleles (0.0027%); highest among the groups gnomAD compares: South Asian, 0.042%; no homozygotes.

Submissions (2):

Ambry Genetics
Classification: Uncertain significance for Inborn genetic diseases. Last evaluated: 2025-12-11. Review status: criteria provided, single submitter. Criteria: Ambry Variant Classification Scheme 2023. Collection method: clinical testing. Allele origin: germline.

Labcorp Genetics (formerly Invitae), Labcorp
Classification: Uncertain significance for Sulfite oxidase deficiency. Last evaluated: 2022-08-16. Review status: criteria provided, single submitter. Criteria: Invitae Variant Classification Sherloc (09022015). Collection method: clinical testing. Allele origin: germline.
Comment: This sequence change replaces threonine, which is neutral and polar, with isoleucine, which is neutral and non-polar, at codon 60 of the SUOX protein (p.Thr60Ile). This variant is present in population databases (rs758579796, gnomAD 0.04%). This variant has not been reported in the literature in individuals affected with SUOX-related conditions. Algorithms developed to predict the effect of missense changes on protein structure and function (SIFT, PolyPhen-2, Align-GVGD) all suggest that this variant is likely to be tolerated. In summary, the available evidence is currently insufficient to determine the role of this variant in disease. Therefore, it has been classified as a Variant of Uncertain Significance.

NM_001032386.2(SUOX):c.179C>T (p.Thr60Ile)

Gene: SUOX (sulfite oxidase; plus strand). Cytogenetic location: 12q13.2.
Variant type: single nucleotide variant.
Coding change: c.179C>T on transcript NM_001032386.2 (MANE Select); coding-DNA position 179, C replaced by T.
Protein change: p.Thr60Ile; replaces threonine 60 with isoleucine.
Molecular consequence: missense variant.
Genome position (GRCh38, 1-based): chr12:56,002,671, C>T. VCF-style: chr12-56002671-C-T. GRCh37 (hg19) VCF-style: chr12-56396455-C-T.
Other names: c.179C>T, p.Thr60Ile (NM_000456.3, NM_001032387.2); c.179C>T (NM_000456.2); short protein forms T60I.
Identifiers: ClinVar variation 2159893 (VCV002159893.4), dbSNP rs758579796, ClinGen allele CA6620895.
Genomic context (GRCh38, chr12:56,002,671, plus strand): 5'-GCCCCAGCCTCACCTTCTCTGGTGATAACTCCAGCACCCAGGGATGGAGAGTCATGGGGA[C>T]CCTATTAGGTCTCGGTGCAGTGTTGGCCTATCAGGACCATCGGTGTAGGGTAAGTAGGGA-3'
Protein context (NP_001027558.1, residues 50-70): SSTQGWRVMG[Thr60Ile]LLGLGAVLAY